The following is an entry in ClinVar:

ClinVar aggregate classification (germline): Uncertain significance (1 of 4 stars; one submission).

Conditions:
MAMLD1-related disorder. Also called: MAMLD1-related condition.

gnomAD v4.1: 55 of 1,153,665 alleles (0.0048%); highest among the groups gnomAD compares: Middle Eastern, 0.023%; no homozygotes.

Submission:

PreventionGenetics, part of Exact Sciences
Classification: Uncertain significance for MAMLD1-related condition. Last evaluated: 2025-08-08. Review status: criteria provided, single submitter. Criteria: ACMG Guidelines, 2015. Collection method: clinical testing. Allele origin: germline.
Comment: The MAMLD1 c.2914G>A variant is predicted to result in the amino acid substitution p.Asp972Asn. To our knowledge, this variant has not been reported in the literature. This variant is reported in 0.0071% of alleles in individuals of South Asian descent in gnomAD. At this time, the clinical significance of this variant is uncertain due to the absence of conclusive functional and genetic evidence.

NM_005491.5(MAMLD1):c.*1031G>A

Gene: MAMLD1 (mastermind like domain containing 1; plus strand). Cytogenetic location: Xq28.
Variant type: single nucleotide variant.
Coding change: c.*1031G>A on transcript NM_005491.5 (MANE Select); 1031 bases downstream of the stop codon, G replaced by A.
Molecular consequence: 3 prime UTR variant. On other transcripts: missense variant (2).
Genome position (GRCh38, 1-based): chrX:150,512,990, G>A. VCF-style: chrX-150512990-G-A. GRCh37 (hg19) VCF-style: chrX-149681260-G-A.
Other names: c.2914G>A, p.Asp972Asn (NM_001177465.3); c.*1031G>A (NM_001177466.3, NM_001400513.1, NM_001400514.1 and 1 more transcripts); c.2989G>A, p.Asp997Asn (NM_001400512.1); short protein forms D997N, D972N.
Identifiers: ClinVar variation 4984184 (VCV004984184.1).